The following is an entry in ClinVar:

NM_005732.4(RAD50):c.136A>G (p.Ile46Val)

Gene: RAD50 (RAD50 double strand break repair protein; plus strand). Cytogenetic location: 5q31.1.
Variant type: single nucleotide variant.
Coding change: c.136A>G on transcript NM_005732.4 (MANE Select); coding-DNA position 136, A replaced by G.
Protein change: p.Ile46Val; replaces isoleucine 46 with valine.
Molecular consequence: missense variant.
Genome position (GRCh38, 1-based): chr5:132,559,290, A>G. VCF-style: chr5-132559290-A-G. GRCh37 (hg19) VCF-style: chr5-131894982-A-G.
Other names: short protein forms I46V.
Identifiers: ClinVar variation 2507400 (VCV002507400.2), dbSNP rs1750077851, ClinGen allele CA360953175.

ClinVar aggregate classification (germline): Uncertain significance (1 of 4 stars; one submission).

Conditions:
Familial cancer of breast. Also called: hereditary breast carcinoma; Hereditary breast cancer; BREAST CANCER, FAMILIAL. Identifiers: Orphanet 227535, MedGen C0346153, MONDO:0016419, OMIM 114480. Disease mechanism: loss of function.

Submission:

KCCC/NGS Laboratory, Kuwait Cancer Control Center
Classification: Uncertain significance for Familial cancer of breast. Last evaluated: 2023-07-05. Review status: criteria provided, single submitter. Criteria: ACMG Guidelines, 2015. Collection method: clinical testing. Allele origin: unknown. Inheritance: Autosomal dominant inheritance. Affected: yes. Observed: 1 heterozygote.
Comment: This sequence change replaces leucine with valine at codon 46 of the RAD50 protein (p.Ile46Val). This variant is not present in population databases (gnomAD). This variant has not been reported in the literature in individuals with p.RAD50-related conditions. In-silico predictions show conflicting computational verdict based on 6 benign predictions from PROVEAN , MVP , M-CAP , FATHMM , DEOGEN2 and BLOSUM vs 6 pathogenic prediction from FATHMM-MKL , LRT, Mutation assessor , SIFT and PolyPhen the position is not strongly conserved (PhyloP=6.58) . This variant not reported in ClinVar , same amino acid reported as (p.Ile46Thr) and (p.Ile46Asn) of which both reported as variant of uncertain significance .